The following is an entry in ClinVar:

NM_001370259.2(MEN1):c.313C>T (p.Leu105Phe)

Gene: MEN1 (menin 1; minus strand). Cytogenetic location: 11q13.1.
Variant type: single nucleotide variant.
Coding change: c.313C>T on transcript NM_001370259.2 (MANE Select); coding-DNA position 313, C replaced by T.
Protein change: p.Leu105Phe; replaces leucine 105 with phenylalanine.
Molecular consequence: missense variant.
Genome position (GRCh38, 1-based): chr11:64,809,797, G>A on the plus strand (C>T on the coding strand, the complement: MEN1 is on the minus strand). VCF-style: chr11-64809797-G-A. GRCh37 (hg19) VCF-style: chr11-64577269-G-A.
Other names: c.313C>T, p.Leu105Phe (NM_001370261.2, NM_001370262.2, NM_001370263.2 and 9 more transcripts); short protein forms L105F.
Identifiers: ClinVar variation 1466614 (VCV001466614.8), dbSNP rs1941990096, ClinGen allele CA381187427.

ClinVar aggregate classification (germline): Uncertain significance (1 of 4 stars; one submission).

Conditions:
Multiple endocrine neoplasia, type 1 (MEN1). Also called: MEN I; WERMER SYNDROME; Endocrine adenomatosis multiple; MEN 1; MEA I. Identifiers: Orphanet 652, MedGen C0025267, MeSH D018761, MONDO:0007540, OMIM 131100.

Allele frequency attached by ClinVar (database versions not stated): gnomAD exomes below 0.00001.

Submission:

Labcorp Genetics (formerly Invitae), Labcorp
Classification: Uncertain significance for Multiple endocrine neoplasia, type 1. Last evaluated: 2023-08-24. Review status: criteria provided, single submitter. Criteria: Invitae Variant Classification Sherloc (09022015). Collection method: clinical testing. Allele origin: germline.
Comment: Advanced modeling of protein sequence and biophysical properties (such as structural, functional, and spatial information, amino acid conservation, physicochemical variation, residue mobility, and thermodynamic stability) has been performed at Invitae for this missense variant, however the output from this modeling did not meet the statistical confidence thresholds required to predict the impact of this variant on MEN1 protein function. ClinVar contains an entry for this variant (Variation ID: 1466614). This variant has not been reported in the literature in individuals affected with MEN1-related conditions. This variant is not present in population databases (gnomAD no frequency). This sequence change replaces leucine, which is neutral and non-polar, with phenylalanine, which is neutral and non-polar, at codon 105 of the MEN1 protein (p.Leu105Phe). In summary, the available evidence is currently insufficient to determine the role of this variant in disease. Therefore, it has been classified as a Variant of Uncertain Significance.